The following is an entry in ClinVar:

ClinVar aggregate classification (germline): Uncertain significance (1 of 4 stars; one submission).

gnomAD v4.1: 1 of 1,613,784 alleles (0.000062%); highest among the groups gnomAD compares: Non-Finnish European, 0.000085%; no homozygotes.

Submission:

GeneDx
Classification: Uncertain significance. Last evaluated: 2025-08-02. Review status: criteria provided, single submitter. Criteria: GeneDx Variant Classification Process June 2021. Collection method: clinical testing. Allele origin: germline. Affected: yes.
Comment: Not observed at significant frequency in large population cohorts (gnomAD); In silico analysis suggests that this missense variant does not alter protein structure/function; Has not been previously published as pathogenic or benign to our knowledge

NM_022841.7(RFX7):c.652G>A (p.Val218Ile)

Gene: RFX7 (regulatory factor X7; minus strand). Cytogenetic location: 15q21.3.
Variant type: single nucleotide variant.
Coding change: c.652G>A on transcript NM_022841.7 (MANE Select); coding-DNA position 652, G replaced by A.
Protein change: p.Val218Ile; replaces valine 218 with isoleucine.
Molecular consequence: missense variant.
Genome position (GRCh38, 1-based): chr15:56,101,518, C>T on the plus strand (G>A on the coding strand, the complement: RFX7 is on the minus strand). VCF-style: chr15-56101518-C-T. GRCh37 (hg19) VCF-style: chr15-56393716-C-T.
Other names: c.361G>A, p.Val121Ile (NM_001368073.2, NM_001368074.1, NM_001370554.1); c.652G>A, p.Val218Ile (NM_001370561.1); short protein forms V121I, V218I.
Identifiers: ClinVar variation 4756026 (VCV004756026.1).